The following is an entry in ClinVar:

NM_000352.6(ABCC8):c.19G>C (p.Gly7Arg)

Gene: ABCC8 (ATP binding cassette subfamily C member 8; minus strand). Cytogenetic location: 11p15.1.
Variant type: single nucleotide variant.
Coding change: c.19G>C on transcript NM_000352.6 (MANE Select); coding-DNA position 19, G replaced by C.
Protein change: p.Gly7Arg; replaces glycine 7 with arginine.
Molecular consequence: missense variant. On other transcripts: non-coding transcript variant (1).
Genome position (GRCh38, 1-based): chr11:17,476,758, C>G on the plus strand (G>C on the coding strand, the complement: ABCC8 is on the minus strand). VCF-style: chr11-17476758-C-G. GRCh37 (hg19) VCF-style: chr11-17498305-C-G.
Other names: NM_001287174.3:c.19G>C; c.19G>C (NM_000352.4); c.19G>C, p.Gly7Arg (NM_001287174.3, NM_001351295.2, NM_001351296.2 and 1 more transcripts); short protein forms G7R.
Identifiers: ClinVar variation 2137020 (VCV002137020.7), dbSNP rs781059815, ClinGen allele CA218464119.
Genomic context (GRCh38, chr11:17,476,758, plus strand): 5'-AGCAGCCGTTGTTGAGGACCCCCTGGTCCACCCGGTAGGCGGCCGAGTGGTTCTCGCTGC[C>G]GCAGAAGGCCAGGGGCATGGCGGCGCGGGCGCGGGCTGGGCTCGGGCTCAGCTGGCTCCG-3'
Protein context (NP_000343.2, residues 1-17): MPLAFC[Gly7Arg]SENHSAAYRV

ClinVar aggregate classification (germline): Likely pathogenic. Review status: criteria provided, multiple submitters, no conflicts (2 of 4 stars). 4 submissions from 4 submitters: Likely pathogenic (4). Last evaluated 2023-10-28.

Conditions:
ABCC8-related disorder.
Hyperinsulinemic hypoglycemia, familial, 1 (HHF1). Also called: Persistent hyperinsulinemic hypoglycemia of infancy; NESIDIOBLASTOSIS OF PANCREAS; HYPOGLYCEMIA, HYPERINSULINEMIC, OF INFANCY; HYPERINSULINISM, FAMILIAL, WITH PANCREATIC NESIDIOBLASTOSIS; Persistent Hyperinsulinemia Hypoglycemia of Infancy. Identifiers: Orphanet 276575, Orphanet 276598, MedGen C2931832, MONDO:0009734, OMIM 256450.
Familial hyperinsulinism. Also called: Congenital hyperinsulinism. Identifiers: Orphanet 276525, MedGen C3888018, MONDO:0017182. Disease mechanism: loss of function.

Allele frequency attached by ClinVar (database versions not stated): gnomAD 0.00001; TOPMed 0.00001.
gnomAD v4.1: 6 of 1,586,264 alleles (0.00038%); highest among the groups gnomAD compares: South Asian, 0.0023%; no homozygotes.

Submissions (4):

Labcorp Genetics (formerly Invitae), Labcorp
Classification: Likely pathogenic. Last evaluated: 2023-10-28. Review status: criteria provided, single submitter. Criteria: Invitae Variant Classification Sherloc (09022015). Collection method: clinical testing. Allele origin: germline.
Comment: This sequence change replaces glycine, which is neutral and non-polar, with arginine, which is basic and polar, at codon 7 of the ABCC8 protein (p.Gly7Arg). This variant is present in population databases (no rsID available, gnomAD 0.004%). This missense change has been observed in individuals with autosomal recessive diffuse or focal hyperinsulinism (PMID: 16357843, 23275527). ClinVar contains an entry for this variant (Variation ID: 2137020). Advanced modeling of protein sequence and biophysical properties (such as structural, functional, and spatial information, amino acid conservation, physicochemical variation, residue mobility, and thermodynamic stability) performed at Invitae indicates that this missense variant is expected to disrupt ABCC8 protein function with a positive predictive value of 95%. Experimental studies have shown that this missense change affects ABCC8 function (PMID: 17575084, 23744072). In summary, the currently available evidence indicates that the variant is pathogenic, but additional data are needed to prove that conclusively. Therefore, this variant has been classified as Likely Pathogenic.

Broad Center for Mendelian Genomics, Broad Institute of MIT and Harvard
Classification: Likely pathogenic for Hyperinsulinemic hypoglycemia, familial, 1. Last evaluated: 2023-08-16. Review status: criteria provided, single submitter. Criteria: ACMG Guidelines, 2015. Collection method: curation. Allele origin: germline. Inheritance: Autosomal recessive inheritance.
Comment: The p.Gly7Arg variant in ABCC8 has been reported in at least one affected individual, in the compound heterozygous state, with hyperinsulinemic hypoglycemia (PMID: 16357843, 17575084), and has been identified in 0.0034% (1/29138) of Latino chromosomes by the Genome Aggregation Database (gnomAD; dbSNP rs781059815). Although this variant has been seen in the general population in a heterozygous state, its frequency is low enough to be consistent with a recessive carrier frequency. In vitro functional studies provide some evidence that the p.Gly7Arg variant impacts protein trafficking to the cell surface (PMID: 16357843, 23744072). However, these types of assays may not accurately represent biological function. Computational prediction tools and conservation analyses suggest that this variant may impact the protein, though this information is not predictive enough to determine pathogenicity. In summary, although additional studies are required to fully establish its clinical significance, this variant is likely pathogenic for autosomal recessive hyperinsulinemic hypoglycemia. ACMG/AMP Criteria applied: PS3_Supporting, PM2, PM3, PP3 (Richards 2015).

PreventionGenetics, part of Exact Sciences
Classification: Likely pathogenic for ABCC8-related condition. Last evaluated: 2023-08-07. Review status: criteria provided, single submitter. Criteria: ACMG Guidelines, 2015. Collection method: clinical testing. Allele origin: germline.
Comment: The ABCC8 c.19G>C variant is predicted to result in the amino acid substitution p.Gly7Arg. This variant has been reported in multiple individuals with both focal and diffuse forms of congenital hyperinsulinism and in at least one individual with focal form a loss of the maternal allele was noted (Suchi et al. 2006. PubMed ID: 16357843; Supplemental Appendix, Snider et al. 2012. PubMed ID: 23275527). Functional studies found this variant results in defective trafficking (Yan et al. 2007. PubMed ID: 17575084). This variant is reported in 0.0034% of alleles in individuals of Latino descent in gnomAD. This variant is interpreted as likely pathogenic.

Women's Health and Genetics/Laboratory Corporation of America, LabCorp
Classification: Likely pathogenic for Familial hyperinsulinism. Last evaluated: 2023-06-30. Review status: criteria provided, single submitter. Criteria: LabCorp Variant Classification Summary - May 2015. Collection method: clinical testing. Allele origin: germline.
Comment: Variant summary: ABCC8 c.19G>C (p.Gly7Arg) results in a non-conservative amino acid change in the encoded protein sequence. Five of five in-silico tools predict a damaging effect of the variant on protein function. The variant allele was found at a frequency of 5e-06 in 198218 control chromosomes. c.19G>C has been reported in both the homozygous and heterozygous state in the literature in individuals affected with ABCC8-related conditions (e.g., Suchi_2006, Snider_2013). These data indicate that the variant is likely to be associated with disease. At least one publication reports experimental evidence evaluating an impact on protein function, demonstrating that the variant reduces cell surface expression which indicates a trafficking defect. The most pronounced variant effect results in 30%-50% of normal activity (Yan_2007). The following publications have been ascertained in the context of this evaluation (PMID: 17575084, 23275527, 16357843). One submitter has cited clinical-significance assessments for this variant to ClinVar after 2014 and has classified the variant as likely pathogenic. Based on the evidence outlined above, the variant was classified as likely pathogenic.

Literature cited by the submitters: PubMed 16357843 (cited by Labcorp Genetics (formerly Invitae), Labcorp and Women's Health and Genetics/Laboratory Corporation of America, LabCorp); PubMed 23275527 (cited by Labcorp Genetics (formerly Invitae), Labcorp and Women's Health and Genetics/Laboratory Corporation of America, LabCorp); PubMed 17575084 (cited by Labcorp Genetics (formerly Invitae), Labcorp and Women's Health and Genetics/Laboratory Corporation of America, LabCorp); PubMed 23744072 (cited by Labcorp Genetics (formerly Invitae), Labcorp and Broad Center for Mendelian Genomics, Broad Institute of MIT and Harvard).